The following is an entry in ClinVar:

NM_014000.3(VCL):c.1271A>T (p.Asp424Val)

Gene: VCL (vinculin; plus strand). Cytogenetic location: 10q22.2.
Variant type: single nucleotide variant.
Coding change: c.1271A>T on transcript NM_014000.3 (MANE Select); coding-DNA position 1271, A replaced by T.
Protein change: p.Asp424Val; replaces aspartic acid 424 with valine.
Molecular consequence: missense variant.
Genome position (GRCh38, 1-based): chr10:74,090,117, A>T. VCF-style: chr10-74090117-A-T. GRCh37 (hg19) VCF-style: chr10-75849875-A-T.
Other names: c.1271A>T, p.Asp424Val (NM_003373.4); short protein forms D424V.
Identifiers: ClinVar variation 3331940 (VCV003331940.1).
Genomic context (GRCh38, chr10:74,090,117, plus strand): 5'-GAGAAGAGCAGATTCGAGGTGCTTTGGCTGAAGCTCGGAAAATAGCAGAATTATGTGATG[A>T]TCCTAAAGAAAGAGATGACATTCTACGTTCCCTTGGGGAAATATCTGCTCTGACTTCTAA-3'
Protein context (NP_054706.1, residues 414-434): EARKIAELCD[Asp424Val]PKERDDILRS

ClinVar aggregate classification (germline): Uncertain significance (1 of 4 stars; one submission).

Conditions:
Cardiovascular phenotype. Identifiers: MedGen CN230736.

Submission:

Ambry Genetics
Classification: Uncertain significance for Cardiovascular phenotype. Last evaluated: 2024-05-26. Review status: criteria provided, single submitter. Criteria: Ambry Variant Classification Scheme 2023. Collection method: clinical testing. Allele origin: germline.
Comment: The p.D424V variant (also known as c.1271A>T), located in coding exon 10 of the VCL gene, results from an A to T substitution at nucleotide position 1271. The aspartic acid at codon 424 is replaced by valine, an amino acid with highly dissimilar properties. This amino acid position is conserved. In addition, this alteration is predicted to be deleterious by in silico analysis. Based on the available evidence, the clinical significance of this variant remains unclear.